The following is an entry in ClinVar:

NM_213599.3(ANO5):c.293C>A (p.Ala98Glu)

Gene: ANO5 (anoctamin 5; plus strand). Cytogenetic location: 11p14.3.
Variant type: single nucleotide variant.
Coding change: c.293C>A on transcript NM_213599.3 (MANE Select); coding-DNA position 293, C replaced by A.
Protein change: p.Ala98Glu; replaces alanine 98 with glutamic acid.
Molecular consequence: missense variant.
Genome position (GRCh38, 1-based): chr11:22,221,209, C>A. VCF-style: chr11-22221209-C-A. GRCh37 (hg19) VCF-style: chr11-22242755-C-A.
Other names: c.290C>A, p.Ala97Glu (NM_001142649.2); c.251C>A, p.Ala84Glu (NM_001410963.1); c.248C>A, p.Ala83Glu (NM_001410964.1); short protein forms A83E, A84E, A97E, A98E.
Identifiers: ClinVar variation 3750657 (VCV003750657.2).

ClinVar aggregate classification (germline): Uncertain significance (1 of 4 stars; one submission).

Conditions:
Gnathodiaphyseal dysplasia (GDD). Also called: GNATHODIAPHYSEAL SCLEROSIS; OSTEOGENESIS IMPERFECTA WITH UNUSUAL SKELETAL LESIONS. Identifiers: Orphanet 53697, MedGen C1833736, MONDO:0008151, OMIM 166260.
Autosomal recessive limb-girdle muscular dystrophy type 2L (LGMDR12). Also called: Limb-girdle muscular dystrophy, type 2L; MUSCULAR DYSTROPHY, LIMB-GIRDLE, AUTOSOMAL RECESSIVE 12; Limb-Girdle Muscular Dystrophy R12 Anoctamin-5-Related (LGMD-R12). Identifiers: Orphanet 206549, MedGen C1969785, MONDO:0012652, OMIM 611307.

gnomAD v4.1: 2 of 1,594,692 alleles (0.00013%); highest among the groups gnomAD compares: Non-Finnish European, 0.000086%; no homozygotes.

Submission:

Labcorp Genetics (formerly Invitae), Labcorp
Classification: Uncertain significance for Autosomal recessive limb-girdle muscular dystrophy type 2L; Gnathodiaphyseal dysplasia. Last evaluated: 2024-10-03. Review status: criteria provided, single submitter. Criteria: Invitae Variant Classification Sherloc (09022015). Collection method: clinical testing. Allele origin: germline.
Comment: This sequence change replaces alanine, which is neutral and non-polar, with glutamic acid, which is acidic and polar, at codon 98 of the ANO5 protein (p.Ala98Glu). This variant is not present in population databases (gnomAD no frequency). This variant has not been reported in the literature in individuals affected with ANO5-related conditions. Invitae Evidence Modeling of protein sequence and biophysical properties (such as structural, functional, and spatial information, amino acid conservation, physicochemical variation, residue mobility, and thermodynamic stability) indicates that this missense variant is not expected to disrupt ANO5 protein function with a negative predictive value of 80%. In summary, the available evidence is currently insufficient to determine the role of this variant in disease. Therefore, it has been classified as a Variant of Uncertain Significance.